The following is an entry in ClinVar:

ClinVar aggregate classification (germline): Uncertain significance (1 of 4 stars; one submission).

Conditions:
PCSK1-related disorder. Also called: PCSK1-related condition.

gnomAD v4.1: 34 of 1,614,052 alleles (0.0021%); highest among the groups gnomAD compares: South Asian, 0.0088%; no homozygotes.

Submission:

PreventionGenetics, part of Exact Sciences
Classification: Uncertain significance for PCSK1-related condition. Last evaluated: 2026-01-12. Review status: criteria provided, single submitter. Criteria: ACMG Guidelines, 2015. Collection method: clinical testing. Allele origin: germline.
Comment: The PCSK1 c.1960C>T variant is predicted to result in the amino acid substitution p.Arg654Trp. This variant was observed in a cohort of individuals with obesity, and in vitro functional studies showed inconclusive evidence of loss of function (Supplemental Data Set, Shah et al. 2023. PubMed ID: 36864747). This variant is reported in 0.013% of alleles in individuals of South Asian descent in gnomAD. At this time, the clinical significance of this variant is uncertain due to the absence of conclusive functional and genetic evidence.

NM_000439.5(PCSK1):c.1960C>T (p.Arg654Trp)

Genes: CAST (calpastatin; plus strand), PCSK1 (proprotein convertase subtilisin/kexin type 1; minus strand), LOC101929710 (uncharacterized LOC101929710; plus strand). Cytogenetic location: 5q15.
Variant type: single nucleotide variant.
Coding change: c.1960C>T on transcript NM_000439.5 (MANE Select); coding-DNA position 1960, C replaced by T.
Protein change: p.Arg654Trp; replaces arginine 654 with tryptophan.
Molecular consequence: missense variant. On other transcripts: intron variant (11).
Genome position (GRCh38, 1-based): chr5:96,393,303, G>A on the plus strand (C>T on the coding strand, the complement: PCSK1 is on the minus strand). VCF-style: chr5-96393303-G-A. GRCh37 (hg19) VCF-style: chr5-95729007-G-A.
Other names: c.1819C>T, p.Arg607Trp (NM_001177875.2); c.-175+13651G>A (NM_001423254.1, NM_001423259.1, NM_001423255.1 and 6 more transcripts); c.-103+13651G>A (NM_001423253.1); c.-40+13651G>A (NM_001423258.1); short protein forms R607W, R654W.
Identifiers: ClinVar variation 3357512 (VCV003357512.2).
Genomic context (GRCh38, chr5:96,393,303, plus strand): 5'-CACTTTGCAGGAGTCGCAGCATGGCCTGGGAAGGGGCTCCCTCCTCCAACTCATCCCTCC[G>A]GCCCCCTACGCTGCTGCTGCTGGGGCTTTTGGACACCAGGGTGTTCTCCTTAGGGTTCTC-3'
Protein context (NP_000430.3, residues 644-664): KSPSSSSVGG[Arg654Trp]RDELEEGAPS